The following is an entry in ClinVar:

ClinVar aggregate classification (germline): Conflicting classifications of pathogenicity. Review status: criteria provided, conflicting classifications (1 of 4 stars). 4 submissions from 4 submitters: Uncertain significance (2); Likely benign (2). Last evaluated 2023-03-23.

Conditions:
Hereditary cancer-predisposing syndrome. Also called: Neoplastic Syndromes, Hereditary; Tumor predisposition; Hereditary Cancer Syndrome; Hereditary neoplastic syndrome. Identifiers: Orphanet 140162, MedGen C0027672, MeSH D009386, MONDO:0015356.
Hereditary breast ovarian cancer syndrome. Also called: Hereditary breast and/or ovarian cancer syndrome; BRCA1- and BRCA2-Associated Hereditary Breast and Ovarian Cancer; Hereditary breast and ovarian cancer syndrome; Hereditary breast and ovarian cancer; Hereditary breast and ovarian cancer syndrome (HBOC); Breast and ovarian cancer. Identifiers: Orphanet 145, MedGen C0677776, MeSH D061325, MONDO:0003582. Disease mechanism: loss of function.

Submissions (4):

University of Washington Department of Laboratory Medicine, University of Washington
Classification: Likely benign for Hereditary cancer-predisposing syndrome. Last evaluated: 2023-03-23. Review status: criteria provided, single submitter. Criteria: Dines et al. (Genet Med. 2020). Collection method: curation. Allele origin: germline.
Comment: Missense variant in a coldspot region where missense variants are very unlikely to be pathogenic (PMID:31911673).

BRCA2 exon 11 coldspot. Reclassification based on statistical prior probability.

Labcorp Genetics (formerly Invitae), Labcorp
Classification: Uncertain significance for Hereditary breast ovarian cancer syndrome. Last evaluated: 2023-01-13. Review status: criteria provided, single submitter. Criteria: Invitae Variant Classification Sherloc (09022015). Collection method: clinical testing. Allele origin: germline.
Comment: In summary, the available evidence is currently insufficient to determine the role of this variant in disease. Therefore, it has been classified as a Variant of Uncertain Significance. Advanced modeling of protein sequence and biophysical properties (such as structural, functional, and spatial information, amino acid conservation, physicochemical variation, residue mobility, and thermodynamic stability) performed at Invitae indicates that this missense variant is not expected to disrupt BRCA2 protein function. ClinVar contains an entry for this variant (Variation ID: 820759). This variant has not been reported in the literature in individuals affected with BRCA2-related conditions. This variant is not present in population databases (gnomAD no frequency). This sequence change replaces serine, which is neutral and polar, with tyrosine, which is neutral and polar, at codon 708 of the BRCA2 protein (p.Ser708Tyr).

Color Diagnostics, LLC DBA Color Health
Classification: Uncertain significance for Hereditary cancer-predisposing syndrome. Last evaluated: 2019-04-03. Review status: criteria provided, single submitter. Criteria: ACMG Guidelines, 2015. Collection method: clinical testing. Allele origin: germline.

Ambry Genetics
Classification: Likely benign for Hereditary cancer-predisposing syndrome. Last evaluated: 2019-03-04. Review status: criteria provided, single submitter. Criteria: Ambry Variant Classification Scheme 2023. Collection method: clinical testing. Allele origin: germline.

NM_000059.4(BRCA2):c.2123C>A (p.Ser708Tyr)

Gene: BRCA2 (BRCA2 DNA repair associated; plus strand). Cytogenetic location: 13q13.1.
Variant type: single nucleotide variant.
Coding change: c.2123C>A on transcript NM_000059.4 (MANE Select); coding-DNA position 2123, C replaced by A.
Protein change: p.Ser708Tyr; replaces serine 708 with tyrosine.
Molecular consequence: missense variant.
Genome position (GRCh38, 1-based): chr13:32,336,478, C>A. VCF-style: chr13-32336478-C-A. GRCh37 (hg19) VCF-style: chr13-32910615-C-A.
Other names: short protein forms S708Y.
Identifiers: ClinVar variation 820759 (VCV000820759.13), dbSNP rs1593896146, ClinGen allele CA387770042.